The following is an entry in ClinVar:

NM_003742.4(ABCB11):c.1873dup (p.Thr625fs)

Gene: ABCB11 (ATP binding cassette subfamily B member 11; minus strand). Cytogenetic location: 2q31.1.
Variant type: Duplication.
Coding change: c.1873dup on transcript NM_003742.4 (MANE Select); coding-DNA position 1873, one base duplicated (A; older notation c.1873dupA).
Protein change: p.Thr625fs; shifts the reading frame from threonine 625.
Molecular consequence: frameshift variant.
Genome position (GRCh38, 1-based): chr2:168,969,488, T duplicated on the plus strand (A on the coding strand, the reverse complement: ABCB11 is on the minus strand). VCF-style (leftmost placement, unchanged base first): chr2-168969487-G-GT. GRCh37 (hg19) VCF-style: chr2-169825997-G-GT.
Other names: c.1873dupA (NM_003742.4); short protein forms T625fs.
Identifiers: ClinVar variation 4815265 (VCV004815265.2).
Genomic context (GRCh38, chr2:168,969,487, plus strand): 5'-TCCAGTAATTCTTCATGGGTCCCTCTTTCCACTGCAGTGCCATGTTCAAAACCAATGATG[G>GT]TATCTGCAGCTCTGACCGTAGACAAGCGATGAGCAACTGAAATGATTGTGTGCCCATGCT-3'

ClinVar aggregate classification (germline): Pathogenic. Review status: criteria provided, multiple submitters, no conflicts (2 of 4 stars). 2 submissions from 2 submitters: Pathogenic (2). Last evaluated 2026-04-14.

Conditions:
Familial intrahepatic cholestasis. Identifiers: Orphanet 284385, MedGen CN296401, MONDO:0017290.
Progressive familial intrahepatic cholestasis type 2. Identifiers: Orphanet 79304, MedGen C3489789, MONDO:0011156, OMIM 601847.

Submissions (2):

Genomenon, Inc
Classification: Pathogenic for Familial intrahepatic cholestasis. Last evaluated: 2026-04-14. Review status: criteria provided, single submitter. Criteria: Genomenon Sequence Variant Interpretation Standards - Updated. Collection method: curation. Allele origin: germline. Affected: yes.
Comment: ABCB11 p.Thr625AsnfsTer6 (c.1873dup) is a frameshift variant that results in the production of a truncated protein which is predicted to undergo nonsense-mediated mRNA decay. This variant has been observed in at least one proband with an ABCB11-related disorder (PMID:26678486). It is absent or not present at a significant frequency in gnomAD. In conclusion, we classify ABCB11 p.Thr625AsnfsTer6 (c.1873dup) as a pathogenic variant.

Natera, Inc.
Classification: Pathogenic for Progressive familial intrahepatic cholestasis type 2. Last evaluated: 2024-11-17. Review status: criteria provided, single submitter. Criteria: Natera Variant Classification Schema (03/2026). Collection method: clinical testing. Allele origin: germline.
Comment: The c.1873dupA variant in ABCB11 is a frameshift variant predicted to shift the reading frame beginning at codon 625 and leads to a stop codon 6 codons downstream. This variant is expected to result in nonsense mediated decay, truncation, or a dysfunctional protein product. This variant is rare in the general population with a frequency below the threshold expected for the associated phenotype(s). This variant has been observed in one or more individuals affected with the associated recessive disease, as either homozygous or compound heterozygous with a second variant (PMID: 26678486). Given the available evidence, this variant is classified as Pathogenic.

Literature cited by the submitters: PubMed 26678486 (cited by Genomenon, Inc and Natera, Inc.).